The following is an entry in ClinVar:

NM_144687.4(NLRP12):c.1973G>A (p.Arg658Lys)

Gene: NLRP12 (NLR family pyrin domain containing 12; minus strand). Cytogenetic location: 19q13.42.
Variant type: single nucleotide variant.
Coding change: c.1973G>A on transcript NM_144687.4 (MANE Select); coding-DNA position 1973, G replaced by A.
Protein change: p.Arg658Lys; replaces arginine 658 with lysine.
Molecular consequence: missense variant.
Genome position (GRCh38, 1-based): chr19:53,809,686, C>T on the plus strand (G>A on the coding strand, the complement: NLRP12 is on the minus strand). VCF-style: chr19-53809686-C-T. GRCh37 (hg19) VCF-style: chr19-54312940-C-T.
Other names: c.1973G>A, p.Arg658Lys (NM_001277126.2, NM_001277129.1); short protein forms R658K.
Identifiers: ClinVar variation 2192288 (VCV002192288.4), dbSNP rs747407983, ClinGen allele CA9639302.

ClinVar aggregate classification (germline): Uncertain significance (1 of 4 stars; one submission).

Conditions:
Familial cold autoinflammatory syndrome 2 (FCAS2). Identifiers: Orphanet 247868, MedGen C2673198, MONDO:0012724, OMIM 611762.

Allele frequency attached by ClinVar (database versions not stated): TOPMed below 0.00001; gnomAD 0.00001; gnomAD exomes 0.00001; ExAC 0.00004.
gnomAD v4.1: 15 of 1,614,032 alleles (0.00093%); highest among the groups gnomAD compares: Non-Finnish European, 0.00085%; no homozygotes.

Submission:

Labcorp Genetics (formerly Invitae), Labcorp
Classification: Uncertain significance for Familial cold autoinflammatory syndrome 2. Last evaluated: 2022-08-30. Review status: criteria provided, single submitter. Criteria: Invitae Variant Classification Sherloc (09022015). Collection method: clinical testing. Allele origin: germline.
Comment: This variant has not been reported in the literature in individuals affected with NLRP12-related conditions. This sequence change replaces arginine, which is basic and polar, with lysine, which is basic and polar, at codon 658 of the NLRP12 protein (p.Arg658Lys). This variant is present in population databases (rs747407983, gnomAD 0.004%). Algorithms developed to predict the effect of missense changes on protein structure and function output the following: SIFT: "Tolerated"; PolyPhen-2: "Benign"; Align-GVGD: "Class C0". The lysine amino acid residue is found in multiple mammalian species, which suggests that this missense change does not adversely affect protein function. In summary, the available evidence is currently insufficient to determine the role of this variant in disease. Therefore, it has been classified as a Variant of Uncertain Significance.